The following is an entry in ClinVar:

NM_001009944.3(PKD1):c.11591_11608del (p.His3864_Leu3869del)

Genes: PKD1 (polycystin 1, transient receptor potential channel interacting; minus strand), PKD1-AS1 (PKD1 antisense RNA 1; plus strand). Cytogenetic location: 16p13.3.
Variant type: Deletion.
Coding change: c.11591_11608del on transcript NM_001009944.3 (MANE Select); coding-DNA positions 11591 to 11608, 18 bases deleted (ACGCCGCCGTCACGCTGC).
Protein change: p.His3864_Leu3869del.
Molecular consequence: inframe deletion. On other transcripts: non-coding transcript variant (1).
Genome position (GRCh38, 1-based): chr16:2,091,527-2,091,544, GCAGCGTGACGGCGGCGT deleted on the plus strand (ACGCCGCCGTCACGCTGC on the coding strand, the reverse complement: PKD1 is on the minus strand); deleting any 18 consecutive bases within chr16:2,091,527-2,091,549 gives the same sequence; the c. name uses the placement nearest the transcript's 3' end. VCF-style (leftmost placement, unchanged base first): chr16-2091526-CGCAGCGTGACGGCGGCGT-C. GRCh37 (hg19) VCF-style: chr16-2141527-CGCAGCGTGACGGCGGCGT-C.
Other names: c.11588_11605del, p.His3863_Leu3868del (NM_000296.4).
Identifiers: ClinVar variation 4531259 (VCV004531259.1).

ClinVar aggregate classification (germline): Uncertain significance (1 of 4 stars; one submission).

Conditions:
Polycystic kidney disease, adult type (PKD1). Also called: Polycystic Kidney, Autosomal Dominant; POLYCYSTIC KIDNEY DISEASE, ADULT, TYPE I; Polycystic Kidney Disease 1, Autosomal Dominant; Polycystic kidney disease 1; Polycystic kidney disease 1, severe; POLYCYSTIC KIDNEY DISEASE 1 WITH OR WITHOUT POLYCYSTIC LIVER DISEASE. Identifiers: MedGen C3149841, MONDO:0008263, OMIM 173900.

Submission:

Juno Genomics, Hangzhou Juno Genomics, Inc
Classification: Uncertain significance for Polycystic kidney disease, adult type. Review status: criteria provided, single submitter. Criteria: ACMG Guidelines, 2015. Collection method: clinical testing. Allele origin: germline. Affected: yes.
Comment: Absent from controls (or at extremely low frequency if recessive) in Genome Aggregation Database, Exome Sequencing Project, 1000 Genomes Project, or Exome Aggregation Consortium.;Protein length changes due to in-frame deletions/insertions in a non-repeat region or stop-loss variants.;Patient's phenotype or family history is highly specific for a disease with a single genetic etiology.